The following is an entry in ClinVar:

ClinVar aggregate classification (germline): Pathogenic. Review status: criteria provided, multiple submitters, no conflicts (2 of 4 stars). 2 submissions from 2 submitters: Pathogenic (2). Last evaluated 2023-12-03.

Conditions:
ATL1-related spastic paraplegia, recessive.

gnomAD v4.1: 6 of 1,614,042 alleles (0.00037%); highest among the groups gnomAD compares: East Asian, 0.0022%; no homozygotes.

Submissions (2):

3billion
Classification: Pathogenic for ATL1-related spastic paraplegia, recessive. Last evaluated: 2023-12-03. Review status: criteria provided, single submitter. Criteria: ACMG Guidelines, 2015. Collection method: clinical testing. Allele origin: germline. Affected: yes.
Comment: The variant is not observed in the gnomAD v2.1.1 dataset. Predicted Consequence/Location: Stop-gained (nonsense): predicted to result in a loss or disruption of normal protein function through nonsense-mediated decay (NMD) or protein truncation. Multiple pathogenic variants are reported downstream of the variant. None. The variant has been reported to be associated with ATL1 related disorder (ClinVar ID: VCV001275819). However, the evidence of pathogenicity is insufficient at this time. Therefore, this variant is classified as Likely pathogenic according to the recommendation of ACMG/AMP guideline.

Institute of Medical Genetics and Applied Genomics, University Hospital Tübingen
Classification: Pathogenic. Last evaluated: 2021-09-15. Review status: criteria provided, single submitter. Criteria: ACMG Guidelines, 2015. Collection method: clinical testing. Allele origin: germline. Inheritance: Autosomal dominant inheritance. Affected: yes.

NM_015915.5(ATL1):c.1501C>T (p.Arg501Ter)

Gene: ATL1 (atlastin GTPase 1; plus strand). Cytogenetic location: 14q22.1.
Variant type: single nucleotide variant.
Coding change: c.1501C>T on transcript NM_015915.5 (MANE Select); coding-DNA position 1501, C replaced by T.
Protein change: p.Arg501Ter; replaces arginine 501 with a stop codon.
Molecular consequence: nonsense.
Genome position (GRCh38, 1-based): chr14:50,628,412, C>T. VCF-style: chr14-50628412-C-T. GRCh37 (hg19) VCF-style: chr14-51095130-C-T.
Other names: c.1501C>T, p.Arg501Ter (NM_001127713.1, NM_181598.4); short protein forms R501*.
Identifiers: ClinVar variation 1275819 (VCV001275819.2), dbSNP rs1316385532, ClinGen allele CA389676428.
Genomic context (GRCh38, chr14:50,628,412, plus strand): 5'-ATGGGACTGACCCTTATCACCCTGTGCACTTGGGCATATATCCGGTACTCTGGAGAATAC[C>T]GAGAGCTGGGAGCTGTAATAGACCAGGTGGCTGCAGCTCTGTGGGACCAGGTAAGAACAC-3'